The following is an entry in ClinVar:

NM_000390.4(CHM):c.1349+2T>C

Gene: CHM (CHM Rab escort protein; minus strand). Cytogenetic location: Xq21.2.
Variant type: single nucleotide variant.
Coding change: c.1349+2T>C on transcript NM_000390.4 (MANE Select); the canonical splice donor site of the intron after coding-DNA position 1349, T replaced by C.
Molecular consequence: splice donor variant.
Genome position (GRCh38, 1-based): chrX:85,901,082, A>G on the plus strand (T>C on the coding strand, the complement: CHM is on the minus strand). VCF-style: chrX-85901082-A-G. GRCh37 (hg19) VCF-style: chrX-85156087-A-G.
Other names: c.905+2T>C (NM_001362519.1, NM_001362517.1, NM_001320959.1 and 1 more transcripts).
Identifiers: ClinVar variation 4292332 (VCV004292332.1).

ClinVar aggregate classification (germline): Pathogenic (1 of 4 stars; one submission).

Conditions:
Choroideremia. Also called: Chorioretinal scalloped atrophy. Identifiers: Orphanet 180, MedGen C0008525, MONDO:0010557, OMIM 303100, HP:0001139.

Submission:

3billion
Classification: Pathogenic for Choroideremia. Last evaluated: 2024-07-23. Review status: criteria provided, single submitter. Criteria: ACMG Guidelines, 2015. Collection method: clinical testing. Allele origin: germline. Affected: yes.
Comment: The variant is not observed in the gnomAD v4.0.0 dataset. Predicted Consequence/Location: Canonical splice site: predicted to alter splicing and result in a loss or disruption of normal protein function. Multiple pathogenic loss-of-function variants are reported downstream of the variant. In silico tools predict the variant to alter splicing and produce an abnormal transcript [SpliceAI: 0.96 (spliceogenicity >=0.2, non-spliceogenicity <0.1)]. The variant has been reported to be associated with CHM related disorder (PMID: 31922496). Therefore, this variant is classified as Pathogenic according to the recommendation of ACMG/AMP guideline.

Literature cited by the submitters: PubMed 31922496.